The following is an entry in ClinVar:

NM_020745.4(AARS2):c.301C>T (p.Arg101Cys)

Gene: AARS2 (alanyl-tRNA synthetase 2, mitochondrial; minus strand). Cytogenetic location: 6p21.1.
Variant type: single nucleotide variant.
Coding change: c.301C>T on transcript NM_020745.4 (MANE Select); coding-DNA position 301, C replaced by T.
Protein change: p.Arg101Cys; replaces arginine 101 with cysteine.
Molecular consequence: missense variant.
Genome position (GRCh38, 1-based): chr6:44,312,206, G>A on the plus strand (C>T on the coding strand, the complement: AARS2 is on the minus strand). VCF-style: chr6-44312206-G-A. GRCh37 (hg19) VCF-style: chr6-44279943-G-A.
Other names: short protein forms R101C.
Identifiers: ClinVar variation 3901665 (VCV003901665.1).
Genomic context (GRCh38, chr6:44,312,206, plus strand): 5'-CATCTTCCAGGTCGTTATGGTGTCCTCCAGCTCTCACACATTTCTGGCTGTTGGCCACAC[G>A]TCGGAAGCCTGCCATCTCGCTTCGTGGATCCACGGTGCCCAGAAAGATTGGCTTGAACTG-3'
Protein context (NP_065796.2, residues 91-111): DPRSEMAGFR[Arg101Cys]VANSQKCVRA

ClinVar aggregate classification (germline): Uncertain significance (1 of 4 stars; one submission).

gnomAD v4.1: 1 of 1,614,118 alleles (0.000062%); highest among the groups gnomAD compares: South Asian, 0.0011%; no homozygotes.

Submission:

GeneDx
Classification: Uncertain significance. Last evaluated: 2024-12-03. Review status: criteria provided, single submitter. Criteria: GeneDx Variant Classification Process June 2021. Collection method: clinical testing. Allele origin: germline. Affected: yes.
Comment: Not observed at significant frequency in large population cohorts (gnomAD); In silico analysis supports that this missense variant has a deleterious effect on protein structure/function; Has not been previously published as pathogenic or benign to our knowledge